The following is an entry in ClinVar:

NM_002435.3(MPI):c.9_10del (p.Pro4fs)

Gene: MPI (mannose phosphate isomerase; plus strand). Cytogenetic location: 15q24.1.
Variant type: Deletion.
Coding change: c.9_10del on transcript NM_002435.3 (MANE Select); coding-DNA positions 9 to 10, 2 bases deleted (TC; older notation c.9_10delTC).
Protein change: p.Pro4fs; shifts the reading frame from proline 4.
Molecular consequence: frameshift variant. On other transcripts: 5 prime UTR variant (2).
Genome position (GRCh38, 1-based): chr15:74,890,082-74,890,083, TC deleted; deleting any 2 consecutive bases within chr15:74,890,081-74,890,083 gives the same sequence; the c. name uses the placement nearest the transcript's 3' end. VCF-style (leftmost placement, unchanged base first): chr15-74890080-GCT-G. GRCh37 (hg19) VCF-style: chr15-75182421-GCT-G.
Other names: c.9_10del, p.Pro4fs (NM_001289155.2, NM_001289157.2); c.-14_-13del (NM_001289156.2); c.-141_-140del (NM_001330372.2); short protein forms P4fs.
Identifiers: ClinVar variation 3680466 (VCV003680466.2).

ClinVar aggregate classification (germline): Pathogenic (1 of 4 stars; one submission).

Conditions:
MPI-congenital disorder of glycosylation. Also called: PROTEIN-LOSING ENTEROPATHY-HEPATIC FIBROSIS SYNDROME; MANNOSEPHOSPHATE ISOMERASE DEFICIENCY; MPI DEFICIENCY; CONGENITAL DISORDER OF GLYCOSYLATION, TYPE Ib; CDG Ib; MPI-CDG. Identifiers: Orphanet 79319, MedGen C1865145, MONDO:0011257, OMIM 602579.

Submission:

Labcorp Genetics (formerly Invitae), Labcorp
Classification: Pathogenic for MPI-congenital disorder of glycosylation. Last evaluated: 2024-03-06. Review status: criteria provided, single submitter. Criteria: Invitae Variant Classification Sherloc (09022015). Collection method: clinical testing. Allele origin: germline.
Comment: This sequence change creates a premature translational stop signal (p.Pro4Alafs*31) in the MPI gene. It is expected to result in an absent or disrupted protein product. Loss-of-function variants in MPI are known to be pathogenic (PMID: 19862844). This variant is not present in population databases (gnomAD no frequency). This variant has not been reported in the literature in individuals affected with MPI-related conditions. For these reasons, this variant has been classified as Pathogenic.

Literature cited by the submitters: PubMed 19862844.